The following is an entry in ClinVar:

ClinVar aggregate classification (germline): Benign. Review status: criteria provided, multiple submitters, no conflicts (2 of 4 stars). 3 submissions from 3 submitters: Benign (2). 1 of the submissions does not count toward it. Last evaluated 2019-12-31.

Conditions:
CASP9-related disorder. Also called: CASP9-related condition.

Allele frequency attached by ClinVar (database versions not stated): 1000 Genomes Project 0.00859; gnomAD exomes 0.00114 and 0.00235; ExAC 0.00473; ESP Exome Variant Server 0.00807; 1000 Genomes Project 30x 0.00968; gnomAD 0.00932 and 0.00869; TOPMed 0.00988.
gnomAD v4.1: 3,028 of 1,604,750 alleles (0.19%); highest among the groups gnomAD compares: African/African-American, 2.8%; 48 homozygotes.

Submissions (3):

Labcorp Genetics (formerly Invitae), Labcorp
Classification: Benign. Last evaluated: 2019-12-31. Review status: criteria provided, single submitter. Criteria: Invitae Variant Classification Sherloc (09022015). Collection method: clinical testing. Allele origin: germline.

Breakthrough Genomics
Classification: Benign. Review status: criteria provided, single submitter. Criteria: ACMG Guidelines, 2015. Collection method: not provided. Allele origin: germline. Inheritance: Unknown mechanism. Affected: yes.

PreventionGenetics, part of Exact Sciences
Classification: Benign for CASP9-related condition. Last evaluated: 2019-05-28. Review status: no assertion criteria provided. Collection method: clinical testing. Allele origin: germline. Not counted in ClinVar's aggregate classification.
Comment: This variant is classified as benign based on ACMG/AMP sequence variant interpretation guidelines (Richards et al. 2015 PMID: 25741868, with internal and published modifications).

NM_001229.5(CASP9):c.1097C>A (p.Thr366Asn)

Gene: CASP9 (caspase 9; minus strand). Cytogenetic location: 1p36.21.
Variant type: single nucleotide variant.
Coding change: c.1097C>A on transcript NM_001229.5 (MANE Select); coding-DNA position 1097, C replaced by A.
Protein change: p.Thr366Asn; replaces threonine 366 with asparagine.
Molecular consequence: missense variant. On other transcripts: non-coding transcript variant (2).
Genome position (GRCh38, 1-based): chr1:15,493,953, G>T on the plus strand (C>A on the coding strand, the complement: CASP9 is on the minus strand). VCF-style: chr1-15493953-G-T. GRCh37 (hg19) VCF-style: chr1-15820448-G-T.
Other names: c.647C>A, p.Thr216Asn (NM_001278054.2); c.848C>A, p.Thr283Asn (NM_032996.3); short protein forms T366N, T216N, T283N.
Identifiers: ClinVar variation 782360 (VCV000782360.7), dbSNP rs61738967, ClinGen allele CA614377.